The following is an entry in ClinVar:

NM_030632.3(ASXL3):c.4403C>G (p.Ser1468Ter)

Gene: ASXL3 (ASXL transcriptional regulator 3; plus strand). Cytogenetic location: 18q12.1.
Variant type: single nucleotide variant.
Coding change: c.4403C>G on transcript NM_030632.3 (MANE Select); coding-DNA position 4403, C replaced by G.
Protein change: p.Ser1468Ter; replaces serine 1468 with a stop codon.
Molecular consequence: nonsense.
Genome position (GRCh38, 1-based): chr18:33,744,251, C>G. VCF-style: chr18-33744251-C-G. GRCh37 (hg19) VCF-style: chr18-31324215-C-G.
Other names: short protein forms S1468*.
Identifiers: ClinVar variation 1320174 (VCV001320174.1), dbSNP rs2145428243, ClinGen allele CA402190832.
Genomic context (GRCh38, chr18:33,744,251, plus strand): 5'-ATAATTCTGGAAAACCTCAGCAACCACCAGGGGGCTTTGCACCAGCAGCCATAAACCGAT[C>G]AATTCCGTGTAAAGTCATCGTTGACCACAGCACCACGCTGACCTCCAGTTTGTCTCTGAC-3'

ClinVar aggregate classification (germline): Likely pathogenic (1 of 4 stars; one submission).

Conditions:
Bainbridge-Ropers syndrome. Also called: Severe feeding difficulties-failure to thrive-microcephaly due to ASXL3 deficiency syndrome. Identifiers: Orphanet 352577, MedGen C4750837, MONDO:0014205, OMIM 615485.

Submission:

3billion
Classification: Likely pathogenic for Bainbridge-Ropers syndrome. Last evaluated: 2021-10-02. Review status: criteria provided, single submitter. Criteria: ACMG Guidelines, 2015. Collection method: clinical testing. Allele origin: unknown. Affected: yes. Observed: 1 heterozygote.
Comment: Stop-gained (nonsense): predicted to result in a loss or disruption of normal protein function through nonsense-mediated decay (NMD) or protein truncation. Multiple pathogenic variants are reported downstream of the variant (PVS1_VS). It is not observed in the gnomAD v2.1.1 dataset (PM2). Therefore, this variant is classified as likely pathogenic according to the recommendation of ACMG/AMP guideline.